The following is an entry in ClinVar:

ClinVar aggregate classification (germline): Uncertain significance (1 of 4 stars; one submission).

Conditions:
Hereditary cancer-predisposing syndrome. Also called: Neoplastic Syndromes, Hereditary; Tumor predisposition; Hereditary neoplastic syndrome; Hereditary Cancer Syndrome. Identifiers: Orphanet 140162, MedGen C0027672, MeSH D009386, MONDO:0015356.

Submission:

Ambry Genetics
Classification: Uncertain significance for Hereditary cancer-predisposing syndrome. Last evaluated: 2026-08-02. Review status: criteria provided, single submitter. Criteria: Ambry Variant Classification Scheme 2023. Collection method: clinical testing. Allele origin: germline.
Comment: The p.E399G variant (also known as c.1196A>G), located in coding exon 11 of the TSC2 gene, results from an A to G substitution at nucleotide position 1196. The glutamic acid at codon 399 is replaced by glycine, an amino acid with similar properties. This amino acid position is conserved. In addition, the in silico prediction for this alteration is inconclusive. Based on the available evidence, the clinical significance of this variant remains unclear.

NM_000548.5(TSC2):c.1196A>G (p.Glu399Gly)

Gene: TSC2 (TSC complex subunit 2; plus strand). Cytogenetic location: 16p13.3.
Variant type: single nucleotide variant.
Coding change: c.1196A>G on transcript NM_000548.5 (MANE Select); coding-DNA position 1196, A replaced by G.
Protein change: p.Glu399Gly; replaces glutamic acid 399 with glycine.
Molecular consequence: missense variant. On other transcripts: 5 prime UTR variant (10), non-coding transcript variant (5).
Genome position (GRCh38, 1-based): chr16:2,061,947, A>G. VCF-style: chr16-2061947-A-G. GRCh37 (hg19) VCF-style: chr16-2111948-A-G.
Other names: c.1196A>G, p.Glu399Gly (NM_001077183.3, NM_001114382.3, NM_001363528.2 and 6 more transcripts); c.1085A>G, p.Glu362Gly (NM_001318827.2, NM_001406678.1, NM_001406670.1); c.1049A>G, p.Glu350Gly (NM_001318829.2, NM_001406676.1, NM_001406679.1 and 1 more transcripts); c.596A>G, p.Glu199Gly (NM_001318831.2, NM_001406680.1, NM_001406682.1 and 6 more transcripts); c.1229A>G, p.Glu410Gly (NM_001318832.2); c.1139A>G, p.Glu380Gly (NM_001406677.1); c.734A>G, p.Glu245Gly (NM_001406681.1); c.1286A>G, p.Glu429Gly (NM_001406667.1, NM_001406668.1); and 4 more; short protein forms E410G, E245G, E380G, E429G, E362G, E395G, E399G, E199G.
Identifiers: ClinVar variation 5031376 (VCV005031376.1).